The following is an entry in ClinVar:

ClinVar aggregate classification (germline): Uncertain significance. Review status: criteria provided, multiple submitters, no conflicts (2 of 4 stars). 3 submissions from 3 submitters: Uncertain significance (3). Last evaluated 2023-03-21.

Conditions:
Inborn genetic diseases. Identifiers: MedGen C0950123, MeSH D030342.

gnomAD v4.1: 3 of 1,613,340 alleles (0.00019%); highest among the groups gnomAD compares: Non-Finnish European, 0.00025%; no homozygotes.

Submissions (3):

Ambry Genetics
Classification: Uncertain significance for Inborn genetic diseases. Last evaluated: 2023-03-21. Review status: criteria provided, single submitter. Criteria: Ambry Variant Classification Scheme 2023. Collection method: clinical testing. Allele origin: germline.

GeneDx
Classification: Uncertain significance. Last evaluated: 2022-03-28. Review status: criteria provided, single submitter. Criteria: GeneDx Variant Classification Process June 2021. Collection method: clinical testing. Allele origin: germline. Affected: yes.
Comment: Not observed at significant frequency in large population cohorts (gnomAD); In silico analysis supports that this missense variant does not alter protein structure/function; Has not been previously published as pathogenic or benign to our knowledge

Blueprint Genetics
Classification: Uncertain significance. Last evaluated: 2018-05-04. Review status: criteria provided, single submitter. Criteria: ACMG Guidelines, 2015. Collection method: clinical testing. Allele origin: germline.

NM_194248.3(OTOF):c.1418G>C (p.Ser473Thr)

Gene: OTOF (otoferlin; minus strand). Cytogenetic location: 2p23.3.
Variant type: single nucleotide variant.
Coding change: c.1418G>C on transcript NM_194248.3 (MANE Select); coding-DNA position 1418, G replaced by C.
Protein change: p.Ser473Thr; replaces serine 473 with threonine.
Molecular consequence: missense variant.
Genome position (GRCh38, 1-based): chr2:26,482,567, C>G on the plus strand (G>C on the coding strand, the complement: OTOF is on the minus strand). VCF-style: chr2-26482567-C-G. GRCh37 (hg19) VCF-style: chr2-26705435-C-G.
Other names: c.1418G>C (NM_194248.2); c.1418G>C, p.Ser473Thr (NM_001287489.2); short protein forms S473T.
Identifiers: ClinVar variation 1707731 (VCV001707731.5), dbSNP rs2465272915, ClinGen allele CA346135867.